The following is an entry in ClinVar:

ClinVar aggregate classification (germline): Uncertain significance. Review status: criteria provided, multiple submitters, no conflicts (2 of 4 stars). 4 submissions from 4 submitters: Uncertain significance (3). 1 of the submissions does not count toward it. Last evaluated 2025-08-09.

Conditions:
Hereditary cancer-predisposing syndrome. Also called: Neoplastic Syndromes, Hereditary; Hereditary Cancer Syndrome; Tumor predisposition; Hereditary neoplastic syndrome. Identifiers: Orphanet 140162, MedGen C0027672, MeSH D009386, MONDO:0015356.
Bloom syndrome (BLM). Also called: Bloom-Torre-Machacek syndrome. Identifiers: Orphanet 125, MedGen C0005859, MONDO:0008876, OMIM 210900.

Allele frequency attached by ClinVar (database versions not stated): gnomAD exomes below 0.00001.
gnomAD v4.1: 1 of 1,609,600 alleles (0.000062%); highest among the groups gnomAD compares: Non-Finnish European, 0.000085%; no homozygotes.

Submissions (4):

Labcorp Genetics (formerly Invitae), Labcorp
Classification: Uncertain significance for Bloom syndrome. Last evaluated: 2025-08-09. Review status: criteria provided, single submitter. Criteria: Invitae Variant Classification Sherloc (09022015). Collection method: clinical testing. Allele origin: germline.
Comment: This sequence change replaces valine, which is neutral and non-polar, with alanine, which is neutral and non-polar, at codon 49 of the BLM protein (p.Val49Ala). This variant is not present in population databases (gnomAD no frequency). This variant has not been reported in the literature in individuals affected with BLM-related conditions. ClinVar contains an entry for this variant (Variation ID: 968659). An algorithm developed to predict the effect of missense changes on protein structure and function (PolyPhen-2) suggests that this variant is likely to be tolerated. In summary, the available evidence is currently insufficient to determine the role of this variant in disease. Therefore, it has been classified as a Variant of Uncertain Significance.

Ambry Genetics
Classification: Uncertain significance for Hereditary cancer-predisposing syndrome. Last evaluated: 2025-06-16. Review status: criteria provided, single submitter. Criteria: Ambry Variant Classification Scheme 2023. Collection method: clinical testing. Allele origin: germline.
Comment: The p.V49A variant (also known as c.146T>C), located in coding exon 2 of the BLM gene, results from a T to C substitution at nucleotide position 146. The valine at codon 49 is replaced by alanine, an amino acid with similar properties. This amino acid position is well conserved in available vertebrate species. In addition, this alteration is predicted to be tolerated by in silico analysis. Since supporting evidence is limited at this time, the clinical significance of this alteration remains unclear.

Genetic Services Laboratory, University of Chicago
Classification: Uncertain significance. Last evaluated: 2021-01-07. Review status: criteria provided, single submitter. Criteria: ACMG Guidelines, 2015. Collection method: clinical testing. Allele origin: germline. Affected: no.
Comment: DNA sequence analysis of the BLM gene demonstrated a sequence change, c.146T>C, in exon 3 that results in an amino acid change, p.Val49Ala. This sequence change does not appear to have been previously described in individuals with BLM-related disorders and has also not been described in population databases (gnomAD, ExAC). The p.Val49Ala change affects a poorly conserved amino acid residue located in a domain of the BLM protein that is not known to be functional. The p.Val49Ala substitution appears to be benign using several in-silico pathogenicity prediction tools (SIFT, PolyPhen2, Align GVGD, REVEL). Due to these contrasting evidences and the lack of functional studies, the clinical significance of the p.Val49Ala change remains unknown at this time.

Natera, Inc.
Classification: Uncertain significance for Bloom syndrome. Last evaluated: 2020-05-29. Review status: no assertion criteria provided. Collection method: clinical testing. Allele origin: germline. Not counted in ClinVar's aggregate classification.

NM_000057.4(BLM):c.146T>C (p.Val49Ala)

Gene: BLM (BLM RecQ like helicase; plus strand). Cytogenetic location: 15q26.1.
Variant type: single nucleotide variant.
Coding change: c.146T>C on transcript NM_000057.4 (MANE Select); coding-DNA position 146, T replaced by C.
Protein change: p.Val49Ala; replaces valine 49 with alanine.
Molecular consequence: missense variant. On other transcripts: 5 prime UTR variant (1).
Genome position (GRCh38, 1-based): chr15:90,749,414, T>C. VCF-style: chr15-90749414-T-C. GRCh37 (hg19) VCF-style: chr15-91292644-T-C.
Other names: c.146T>C, p.Val49Ala (NM_001287246.2, NM_001287247.2); c.-1146T>C (NM_001287248.2); c.146T>C (NM_000057.2); short protein forms V49A.
Identifiers: ClinVar variation 968659 (VCV000968659.19), dbSNP rs1895601341, ClinGen allele CA393839464.